The following is an entry in ClinVar:

ClinVar aggregate classification (germline): Conflicting classifications of pathogenicity. Review status: criteria provided, conflicting classifications (1 of 4 stars). 3 submissions from 3 submitters: Uncertain significance (2); Likely benign (1). Last evaluated 2026-01-29.

Conditions:
BAP1-related tumor predisposition syndrome (TPDS1). Also called: BAP1 tumor predisposition syndrome; Tumor susceptibility linked to germline BAP1 mutations; TUMOR PREDISPOSITION SYNDROME 1; COMMON Syndrome. Identifiers: Orphanet 289539, MedGen C3280492, MONDO:0013692, OMIM 614327.
Hereditary cancer-predisposing syndrome. Also called: Neoplastic Syndromes, Hereditary; Tumor predisposition; Hereditary Cancer Syndrome; Hereditary neoplastic syndrome. Identifiers: Orphanet 140162, MedGen C0027672, MeSH D009386, MONDO:0015356.

Allele frequency attached by ClinVar (database versions not stated): gnomAD 0.00002; gnomAD exomes 0.00002; ExAC 0.00004; TOPMed 0.00004.

Submissions (3):

Labcorp Genetics (formerly Invitae), Labcorp
Classification: Uncertain significance for BAP1-related tumor predisposition syndrome. Last evaluated: 2026-01-29. Review status: criteria provided, single submitter. Criteria: Invitae Variant Classification Sherloc (09022015). Collection method: clinical testing. Allele origin: germline.
Comment: This sequence change replaces arginine, which is basic and polar, with tryptophan, which is neutral and slightly polar, at codon 518 of the BAP1 protein (p.Arg518Trp). This variant is present in population databases (rs775789477, gnomAD 0.03%). This missense change has been observed in individual(s) with melanoma (PMID: 28062663). ClinVar contains an entry for this variant (Variation ID: 412442). Invitae Evidence Modeling of protein sequence and biophysical properties (such as structural, functional, and spatial information, amino acid conservation, physicochemical variation, residue mobility, and thermodynamic stability) indicates that this missense variant is not expected to disrupt BAP1 protein function with a negative predictive value of 80%. Experimental studies have shown that this missense change does not substantially affect BAP1 function (PMID: 28062663). In summary, the available evidence is currently insufficient to determine the role of this variant in disease. Therefore, it has been classified as a Variant of Uncertain Significance.

Color Diagnostics, LLC DBA Color Health
Classification: Uncertain significance for Hereditary cancer-predisposing syndrome. Last evaluated: 2024-03-06. Review status: criteria provided, single submitter. Criteria: ACMG Guidelines, 2015. Collection method: clinical testing. Allele origin: germline.
Comment: This missense variant replaces arginine with tryptophan at codon 518 of the BAP1 protein. Computational prediction suggests that this variant may not impact protein structure and function (internally defined REVEL score threshold <= 0.5, PMID: 27666373). To our knowledge, functional studies have not been reported for this variant. This variant has been reported in an individual affected with melanoma in the literature (PMID: 28062663). This variant has been identified in 6/251100 chromosomes in the general population by the Genome Aggregation Database (gnomAD). The available evidence is insufficient to determine the role of this variant in disease conclusively. Therefore, this variant is classified as a Variant of Uncertain Significance.

Ambry Genetics
Classification: Likely benign for Hereditary cancer-predisposing syndrome. Last evaluated: 2023-01-06. Review status: criteria provided, single submitter. Criteria: Ambry Variant Classification Scheme 2023. Collection method: clinical testing. Allele origin: germline.

Literature cited by the submitters: PubMed 28062663 (cited by 3 submitters); PubMed 29684080 (cited by Ambry Genetics).

NM_004656.4(BAP1):c.1552C>T (p.Arg518Trp)

Gene: BAP1 (BRCA1 associated deubiquitinase 1; minus strand). Cytogenetic location: 3p21.1.
Variant type: single nucleotide variant.
Coding change: c.1552C>T on transcript NM_004656.4 (MANE Select); coding-DNA position 1552, C replaced by T.
Protein change: p.Arg518Trp; replaces arginine 518 with tryptophan.
Molecular consequence: missense variant.
Genome position (GRCh38, 1-based): chr3:52,403,593, G>A on the plus strand (C>T on the coding strand, the complement: BAP1 is on the minus strand). VCF-style: chr3-52403593-G-A. GRCh37 (hg19) VCF-style: chr3-52437609-G-A.
Other names: c.1552C>T (LRG_529t1); short protein forms R518W.
Identifiers: ClinVar variation 412442 (VCV000412442.17), dbSNP rs775789477, ClinGen allele CA2436776.